The following is an entry in ClinVar:

ClinVar aggregate classification (germline): Likely pathogenic (1 of 4 stars; one submission).

Submission:

CeGaT Center for Human Genetics Tuebingen
Classification: Likely pathogenic. Last evaluated: 2025-05-01. Review status: criteria provided, single submitter. Criteria: CeGaT Center For Human Genetics Tuebingen Variant Classification Criteria Version 2. Collection method: clinical testing. Allele origin: germline. Affected: yes. Observed: 1 variant allele.
Comment: KDM5B: PVS1:Strong, PM2

NM_006618.5(KDM5B):c.456G>A (p.Trp152Ter)

Gene: KDM5B (lysine demethylase 5B; minus strand). Cytogenetic location: 1q32.1.
Variant type: single nucleotide variant.
Coding change: c.456G>A on transcript NM_006618.5 (MANE Select); coding-DNA position 456, G replaced by A.
Protein change: p.Trp152Ter; replaces tryptophan 152 with a stop codon.
Molecular consequence: nonsense.
Genome position (GRCh38, 1-based): chr1:202,773,238, C>T on the plus strand (G>A on the coding strand, the complement: KDM5B is on the minus strand). VCF-style: chr1-202773238-C-T. GRCh37 (hg19) VCF-style: chr1-202742366-C-T.
Other names: c.456G>A, p.Trp152Ter (NM_001314042.2, NM_001347591.2); c.441G>A, p.Trp147Ter (NM_001399817.1); short protein forms W147*, W152*.
Identifiers: ClinVar variation 3905897 (VCV003905897.10).